The following is an entry in ClinVar:

ClinVar aggregate classification (germline): Uncertain significance (1 of 4 stars; one submission).

Submission:

Labcorp Genetics (formerly Invitae), Labcorp
Classification: Uncertain significance. Last evaluated: 2025-06-12. Review status: criteria provided, single submitter. Criteria: Invitae Variant Classification Sherloc (09022015). Collection method: clinical testing. Allele origin: germline.
Comment: This sequence change replaces alanine, which is neutral and non-polar, with threonine, which is neutral and polar, at codon 153 of the NDUFB9 protein (p.Ala153Thr). This variant is present in population databases (no rsID available, gnomAD 0.0009%). This variant has not been reported in the literature in individuals affected with NDUFB9-related conditions. An algorithm developed to predict the effect of missense changes on protein structure and function (PolyPhen-2) suggests that this variant is likely to be disruptive. In summary, the available evidence is currently insufficient to determine the role of this variant in disease. Therefore, it has been classified as a Variant of Uncertain Significance.

NM_005005.3(NDUFB9):c.457G>A (p.Ala153Thr)

Gene: NDUFB9 (NADH:ubiquinone oxidoreductase subunit B9; plus strand). Cytogenetic location: 8q24.13.
Variant type: single nucleotide variant.
Coding change: c.457G>A on transcript NM_005005.3 (MANE Select); coding-DNA position 457, G replaced by A.
Protein change: p.Ala153Thr; replaces alanine 153 with threonine.
Molecular consequence: missense variant.
Genome position (GRCh38, 1-based): chr8:124,549,809, G>A. VCF-style: chr8-124549809-G-A. GRCh37 (hg19) VCF-style: chr8-125562050-G-A.
Other names: c.289G>A, p.Ala97Thr (NM_001278645.2); c.328G>A, p.Ala110Thr (NM_001278646.2); c.424G>A, p.Ala142Thr (NM_001311168.2); short protein forms A142T, A153T, A97T, A110T.
Identifiers: ClinVar variation 4770361 (VCV004770361.1).